The following is an entry in ClinVar:

ClinVar aggregate classification (germline): Uncertain significance (1 of 4 stars; one submission).

Conditions:
Neuropathy, hereditary sensory and autonomic, type 1C. Also called: HSAN IC; HSN IC. Identifiers: Orphanet 36386, MedGen C3150896, MONDO:0013337, OMIM 613640.

Submission:

Labcorp Genetics (formerly Invitae), Labcorp
Classification: Uncertain significance for Neuropathy, hereditary sensory and autonomic, type 1C. Last evaluated: 2024-06-15. Review status: criteria provided, single submitter. Criteria: Invitae Variant Classification Sherloc (09022015). Collection method: clinical testing. Allele origin: germline.
Comment: This sequence change replaces proline, which is neutral and non-polar, with leucine, which is neutral and non-polar, at codon 354 of the SPTLC2 protein (p.Pro354Leu). This variant is not present in population databases (gnomAD no frequency). This variant has not been reported in the literature in individuals affected with SPTLC2-related conditions. Advanced modeling of protein sequence and biophysical properties (such as structural, functional, and spatial information, amino acid conservation, physicochemical variation, residue mobility, and thermodynamic stability) performed at Invitae indicates that this missense variant is not expected to disrupt SPTLC2 protein function with a negative predictive value of 80%. In summary, the available evidence is currently insufficient to determine the role of this variant in disease. Therefore, it has been classified as a Variant of Uncertain Significance.

NM_004863.4(SPTLC2):c.1061C>T (p.Pro354Leu)

Gene: SPTLC2 (serine palmitoyltransferase long chain base subunit 2; minus strand). Cytogenetic location: 14q24.3.
Variant type: single nucleotide variant.
Coding change: c.1061C>T on transcript NM_004863.4 (MANE Select); coding-DNA position 1061, C replaced by T.
Protein change: p.Pro354Leu; replaces proline 354 with leucine.
Molecular consequence: missense variant.
Genome position (GRCh38, 1-based): chr14:77,555,415, G>A on the plus strand (C>T on the coding strand, the complement: SPTLC2 is on the minus strand). VCF-style: chr14-77555415-G-A. GRCh37 (hg19) VCF-style: chr14-78021758-G-A.
Other names: short protein forms P354L.
Identifiers: ClinVar variation 3678094 (VCV003678094.2).